The following is an entry in ClinVar:

ClinVar aggregate classification (germline): Benign (1 of 4 stars; one submission).

Conditions:
Hereditary angioedema type 1 (HAE1). Identifiers: Orphanet 100050, Orphanet 100051, Orphanet 91378, MedGen C2717906, MONDO:0015053, OMIM 106100.

Allele frequency attached by ClinVar (database versions not stated): 1000 Genomes Project 0.14756; 1000 Genomes Project 30x 0.15006; TOPMed 0.19529; gnomAD 0.20760 and 0.20898.
gnomAD v4.1: 31,580 of 151,764 alleles (21%); highest among the groups gnomAD compares: Non-Finnish European, 27%; 3,701 homozygotes.

Submission:

CeMIA
Classification: Benign for Hereditary angioedema type 1. Review status: criteria provided, single submitter. Criteria: ACMG Guidelines, 2015. Collection method: clinical testing. Allele origin: germline. Affected: yes.
Comment: This variant is considered likely benign or benign based on one or more of the following criteria: allele frequency is >5% in Exome Sequencing Project, 1000 Genomes Project, or Exome Aggregation Consortium (BA1), allele frequency is greater than expected for disorder (BS1), it is observed in a healthy adult individual (BS2), it is predicted to be benign by multiple in silico algorithms (BP4), it is found in a case with an alternate molecular basis for the disease (BP5) and/or reputable source recently reports variant as benign (BP6).

Literature cited by the submitters: PubMed 31959500.

NM_000062.3(SERPING1):c.686-1572G>T

Gene: SERPING1 (serpin family G member 1; plus strand). Cytogenetic location: 11q12.1.
Variant type: single nucleotide variant.
Coding change: c.686-1572G>T on transcript NM_000062.3 (MANE Select); 1572 bases into the intron before coding-DNA position 686, G replaced by T.
Molecular consequence: intron variant.
Genome position (GRCh38, 1-based): chr11:57,604,438, G>T. VCF-style: chr11-57604438-G-T. GRCh37 (hg19) VCF-style: chr11-57371911-G-T.
Other names: c.686-1572G>T (NM_001032295.2).
Identifiers: ClinVar variation 983246 (VCV000983246.2), dbSNP rs28362949, ClinGen allele CA13383184.